The following is an entry in ClinVar:

ClinVar aggregate classification (germline): Uncertain significance (1 of 4 stars; one submission).

Submission:

Labcorp Genetics (formerly Invitae), Labcorp
Classification: Uncertain significance. Last evaluated: 2024-05-22. Review status: criteria provided, single submitter. Criteria: Invitae Variant Classification Sherloc (09022015). Collection method: clinical testing. Allele origin: germline.
Comment: This sequence change replaces histidine, which is basic and polar, with arginine, which is basic and polar, at codon 482 of the HNF1B protein (p.His482Arg). This variant is not present in population databases (gnomAD no frequency). This variant has not been reported in the literature in individuals affected with HNF1B-related conditions. Advanced modeling of protein sequence and biophysical properties (such as structural, functional, and spatial information, amino acid conservation, physicochemical variation, residue mobility, and thermodynamic stability) performed at Invitae indicates that this missense variant is not expected to disrupt HNF1B protein function with a negative predictive value of 80%. In summary, the available evidence is currently insufficient to determine the role of this variant in disease. Therefore, it has been classified as a Variant of Uncertain Significance.

NM_000458.4(HNF1B):c.1445A>G (p.His482Arg)

Gene: HNF1B (HNF1 homeobox B; minus strand). Cytogenetic location: 17q12.
Variant type: single nucleotide variant.
Coding change: c.1445A>G on transcript NM_000458.4 (MANE Select); coding-DNA position 1445, A replaced by G.
Protein change: p.His482Arg; replaces histidine 482 with arginine.
Molecular consequence: missense variant. On other transcripts: intron variant (1).
Genome position (GRCh38, 1-based): chr17:37,701,072, T>C on the plus strand (A>G on the coding strand, the complement: HNF1B is on the minus strand). VCF-style: chr17-37701072-T-C. GRCh37 (hg19) VCF-style: chr17-36061077-T-C.
Other names: c.1367A>G, p.His456Arg (NM_001165923.4); c.1445A>G, p.His482Arg (NM_001411100.1); c.1261+3845A>G (NM_001304286.2); short protein forms H456R, H482R.
Identifiers: ClinVar variation 3606994 (VCV003606994.2).